The following is an entry in ClinVar:

ClinVar aggregate classification (germline): Pathogenic (1 of 4 stars; one submission).

Conditions:
X-linked severe congenital neutropenia (SCNX). Identifiers: Orphanet 86788, MedGen C1845987, MONDO:0010294, OMIM 300299.
Thrombocytopenia 1. Also called: X-Linked Thrombocytopenia (XLT); X-linked thrombocytopenia with normal platelets; THROMBOCYTOPENIA, X-LINKED, 1. Identifiers: Orphanet 268322, Orphanet 852, MedGen C1839163, MONDO:0010743, OMIM 313900.
Wiskott-Aldrich syndrome (WAS). Also called: WISKOTT-ALDRICH SYNDROME 1; ALDRICH SYNDROME; IMMUNODEFICIENCY 2; Wiskott-aldrich syndrome, somatic. Identifiers: Orphanet 906, MedGen C0043194, MONDO:0010518, OMIM 301000.

Submission:

Labcorp Genetics (formerly Invitae), Labcorp
Classification: Pathogenic for Wiskott-Aldrich syndrome; X-linked severe congenital neutropenia; Thrombocytopenia 1. Last evaluated: 2024-02-23. Review status: criteria provided, single submitter. Criteria: Invitae Variant Classification Sherloc (09022015). Collection method: clinical testing. Allele origin: germline.
Comment: This sequence change replaces serine, which is neutral and polar, with proline, which is neutral and non-polar, at codon 24 of the WAS protein (p.Ser24Pro). This variant is not present in population databases (gnomAD no frequency). This missense change has been observed in individuals with Wiskott–Aldrich syndrome (PMID: 15284122, 21185603, 31354712; Invitae). ClinVar contains an entry for this variant (Variation ID: 834695). Advanced modeling of protein sequence and biophysical properties (such as structural, functional, and spatial information, amino acid conservation, physicochemical variation, residue mobility, and thermodynamic stability) performed at Invitae indicates that this missense variant is expected to disrupt WAS protein function with a positive predictive value of 95%. This variant disrupts the p.Ser24 amino acid residue in WAS. Other variant(s) that disrupt this residue have been observed in individuals with WAS-related conditions (PMID: 15284122), which suggests that this may be a clinically significant amino acid residue. For these reasons, this variant has been classified as Pathogenic.

Literature cited by the submitters: PubMed 15284122; PubMed 21185603; PubMed 31354712.

NM_000377.3(WAS):c.70T>C (p.Ser24Pro)

Gene: WAS (WASP actin nucleation promoting factor; plus strand). Cytogenetic location: Xp11.23.
Variant type: single nucleotide variant.
Coding change: c.70T>C on transcript NM_000377.3 (MANE Select); coding-DNA position 70, T replaced by C.
Protein change: p.Ser24Pro; replaces serine 24 with proline.
Molecular consequence: missense variant.
Genome position (GRCh38, 1-based): chrX:48,683,923, T>C. VCF-style: chrX-48683923-T-C. GRCh37 (hg19) VCF-style: chrX-48542312-T-C.
Other names: short protein forms S24P.
Identifiers: ClinVar variation 834695 (VCV000834695.8), dbSNP rs2062410722, ClinGen allele CA412865528.